The following is an entry in ClinVar:

ClinVar aggregate classification (germline): Uncertain significance (0 of 4 stars; one submission).

Conditions:
ZNF292-related disorder. Also called: ZNF292-related condition.

Allele frequency attached by ClinVar (database versions not stated): TOPMed below 0.00001; gnomAD 0.00001.

Submission:

PreventionGenetics, part of Exact Sciences
Classification: Uncertain significance for ZNF292-related condition. Last evaluated: 2024-02-29. Review status: no assertion criteria provided. Collection method: clinical testing. Allele origin: germline.
Comment: The ZNF292 c.407C>T variant is predicted to result in the amino acid substitution p.Ala136Val. To our knowledge, this variant has not been reported in the literature or in a large population database, indicating this variant is rare. At this time, the clinical significance of this variant is uncertain due to the absence of conclusive functional and genetic evidence.

NM_015021.3(ZNF292):c.407C>T (p.Ala136Val)

Gene: ZNF292 (zinc finger protein 292; plus strand). Cytogenetic location: 6q14.3.
Variant type: single nucleotide variant.
Coding change: c.407C>T on transcript NM_015021.3 (MANE Select); coding-DNA position 407, C replaced by T.
Protein change: p.Ala136Val; replaces alanine 136 with valine.
Molecular consequence: missense variant. On other transcripts: 5 prime UTR variant (1).
Genome position (GRCh38, 1-based): chr6:87,218,600, C>T. VCF-style: chr6-87218600-C-T. GRCh37 (hg19) VCF-style: chr6-87928318-C-T.
Other names: c.-14C>T (NM_001351444.2); short protein forms A136V.
Identifiers: ClinVar variation 3061135 (VCV003061135.2), dbSNP rs1386023402, ClinGen allele CA364922196.